The following is an entry in ClinVar:

NM_015692.5(CPAMD8):c.2950C>T (p.Arg984Cys)

Gene: CPAMD8 (C3 and PZP like alpha-2-macroglobulin domain containing 8; minus strand). Cytogenetic location: 19p13.11.
Variant type: single nucleotide variant.
Coding change: c.2950C>T on transcript NM_015692.5 (MANE Select); coding-DNA position 2950, C replaced by T.
Protein change: p.Arg984Cys; replaces arginine 984 with cysteine.
Molecular consequence: missense variant.
Genome position (GRCh38, 1-based): chr19:16,929,136, G>A on the plus strand (C>T on the coding strand, the complement: CPAMD8 is on the minus strand). VCF-style: chr19-16929136-G-A. GRCh37 (hg19) VCF-style: chr19-17039946-G-A.
Other names: short protein forms R984C.
Identifiers: ClinVar variation 2068791 (VCV002068791.7), dbSNP rs186098031, ClinGen allele CA9285125.
Genomic context (GRCh38, chr19:16,929,136, plus strand): 5'-CCCCCAGGACGATCTCGATCATGCCTGCTGTGTCCTGGGGCCCAGAAGACAAGGCCACAC[G>A]GGCATCATTGTGAGCTCGCACAGCCACATCAAAGCGGGTGAGGCGCAGTGGCCGCTGCAC-3'
Protein context (NP_056507.3, residues 974-994): DVAVRAHNDA[Arg984Cys]VALSSGPQDT

ClinVar aggregate classification (germline): Conflicting classifications of pathogenicity. Review status: criteria provided, conflicting classifications (1 of 4 stars). 4 submissions from 4 submitters: Uncertain significance (3); Likely benign (1). Last evaluated 2026-02-01.

Conditions:
Inborn genetic diseases. Identifiers: MedGen C0950123, MeSH D030342.

Allele frequency attached by ClinVar (database versions not stated): ExAC 0.00024; gnomAD 0.00072; TOPMed 0.00093; ESP Exome Variant Server 0.00095.
gnomAD v4.1: 218 of 1,613,938 alleles (0.014%); highest among the groups gnomAD compares: African/African-American, 0.26%; no homozygotes.

Submissions (4):

Labcorp Genetics (formerly Invitae), Labcorp
Classification: Likely benign. Last evaluated: 2026-02-01. Review status: criteria provided, single submitter. Criteria: Invitae Variant Classification Sherloc (09022015). Collection method: clinical testing. Allele origin: germline.

Blueprint Genetics
Classification: Uncertain significance. Last evaluated: 2024-07-04. Review status: criteria provided, single submitter. Criteria: ACMG Guidelines, 2015. Collection method: clinical testing. Allele origin: germline.

Ambry Genetics
Classification: Uncertain significance for Inborn genetic diseases. Last evaluated: 2024-03-11. Review status: criteria provided, single submitter. Criteria: Ambry Variant Classification Scheme 2023. Collection method: clinical testing. Allele origin: germline.

GeneDx
Classification: Uncertain significance. Last evaluated: 2023-12-12. Review status: criteria provided, single submitter. Criteria: GeneDx Variant Classification Process June 2021. Collection method: clinical testing. Allele origin: germline. Affected: yes.
Comment: In silico analysis supports that this missense variant has a deleterious effect on protein structure/function; Has not been previously published as pathogenic or benign to our knowledge